The following is an entry in ClinVar:

NM_001079843.3(CASZ1):c.4117C>T (p.Arg1373Trp)

Gene: CASZ1 (castor zinc finger 1; minus strand). Cytogenetic location: 1p36.22.
Variant type: single nucleotide variant.
Coding change: c.4117C>T on transcript NM_001079843.3 (MANE Select); coding-DNA position 4117, C replaced by T.
Protein change: p.Arg1373Trp; replaces arginine 1373 with tryptophan.
Molecular consequence: missense variant.
Genome position (GRCh38, 1-based): chr1:10,642,904, G>A on the plus strand (C>T on the coding strand, the complement: CASZ1 is on the minus strand). VCF-style: chr1-10642904-G-A. GRCh37 (hg19) VCF-style: chr1-10702961-G-A.
Other names: short protein forms R1373W.
Identifiers: ClinVar variation 2893076 (VCV002893076.3), dbSNP rs1189980678, ClinGen allele CA338350014.

ClinVar aggregate classification (germline): Uncertain significance (1 of 4 stars; one submission).

Allele frequency attached by ClinVar (database versions not stated): gnomAD exomes 0.00001; TOPMed 0.00001.
gnomAD v4.1: 8 of 1,613,028 alleles (0.0005%); highest among the groups gnomAD compares: Middle Eastern, 0.017%; no homozygotes.

Submission:

Labcorp Genetics (formerly Invitae), Labcorp
Classification: Uncertain significance. Last evaluated: 2024-01-28. Review status: criteria provided, single submitter. Criteria: Invitae Variant Classification Sherloc (09022015). Collection method: clinical testing. Allele origin: germline.
Comment: This sequence change replaces arginine, which is basic and polar, with tryptophan, which is neutral and slightly polar, at codon 1373 of the CASZ1 protein (p.Arg1373Trp). This variant is present in population databases (no rsID available, gnomAD 0.0009%). This variant has not been reported in the literature in individuals affected with CASZ1-related conditions. An algorithm developed to predict the effect of missense changes on protein structure and function (PolyPhen-2) suggests that this variant is likely to be disruptive. In summary, the available evidence is currently insufficient to determine the role of this variant in disease. Therefore, it has been classified as a Variant of Uncertain Significance.